The following is an entry in ClinVar:

NM_001042492.3(NF1):c.6819+5C>T

Gene: NF1 (neurofibromin 1; plus strand). Cytogenetic location: 17q11.2.
Variant type: single nucleotide variant.
Coding change: c.6819+5C>T on transcript NM_001042492.3 (MANE Select); 5 bases into the intron after coding-DNA position 6819, C replaced by T.
Molecular consequence: intron variant.
Genome position (GRCh38, 1-based): chr17:31,338,144, C>T. VCF-style: chr17-31338144-C-T. GRCh37 (hg19) VCF-style: chr17-29665162-C-T.
Other names: c.6756+5C>T (NM_000267.4).
Identifiers: ClinVar variation 5025544 (VCV005025544.1).

ClinVar aggregate classification (germline): Uncertain significance (1 of 4 stars; one submission).

Conditions:
Cardiovascular phenotype. Identifiers: MedGen CN230736.
Hereditary cancer-predisposing syndrome. Also called: Neoplastic Syndromes, Hereditary; Tumor predisposition; Hereditary neoplastic syndrome; Hereditary Cancer Syndrome. Identifiers: Orphanet 140162, MedGen C0027672, MeSH D009386, MONDO:0015356.

Submission:

Ambry Genetics
Classification: Uncertain significance for Cardiovascular phenotype; Hereditary cancer-predisposing syndrome. Last evaluated: 2026-07-01. Review status: criteria provided, single submitter. Criteria: Ambry Variant Classification Scheme 2023. Collection method: clinical testing. Allele origin: germline.
Comment: The c.6756+5C>T intronic variant results from a C to T substitution 5 nucleotides after coding exon 44 in the NF1 gene. This nucleotide position is poorly conserved in available vertebrate species. In silico splice site analysis predicts that this alteration will not have any significant effect on splicing. Based on the available evidence, the clinical significance of this variant remains unclear.